The following is an entry in ClinVar:

ClinVar aggregate classification (germline): Uncertain significance (1 of 4 stars; one submission).

Conditions:
Aicardi-Goutieres syndrome 7 (AGS7). Identifiers: Orphanet 51, MedGen C3888244, MONDO:0014367, OMIM 615846.
Singleton-Merten syndrome 1 (SGMRT1). Also called: Widened medullary cavities of bone, aortic calcification, abnormal dentition, and muscular weakness; Syndrome of widened medullary cavities of the metacarpals and phalanges, aortic calcification and abnormal dentition. Identifiers: Orphanet 85191, MedGen C4225427, MONDO:0024535, OMIM 182250.

Allele frequency attached by ClinVar (database versions not stated): TOPMed 0.00002.

Submission:

Labcorp Genetics (formerly Invitae), Labcorp
Classification: Uncertain significance for Aicardi-Goutieres syndrome 7; Singleton-Merten syndrome 1. Last evaluated: 2024-11-09. Review status: criteria provided, single submitter. Criteria: Invitae Variant Classification Sherloc (09022015). Collection method: clinical testing. Allele origin: germline.
Comment: This sequence change replaces phenylalanine, which is neutral and non-polar, with cysteine, which is neutral and slightly polar, at codon 744 of the IFIH1 protein (p.Phe744Cys). This variant is not present in population databases (gnomAD no frequency). This variant has not been reported in the literature in individuals affected with IFIH1-related conditions. ClinVar contains an entry for this variant (Variation ID: 2013197). Invitae Evidence Modeling of protein sequence and biophysical properties (such as structural, functional, and spatial information, amino acid conservation, physicochemical variation, residue mobility, and thermodynamic stability) has been performed for this missense variant. However, the output from this modeling did not meet the statistical confidence thresholds required to predict the impact of this variant on IFIH1 protein function. In summary, the available evidence is currently insufficient to determine the role of this variant in disease. Therefore, it has been classified as a Variant of Uncertain Significance.

NM_022168.4(IFIH1):c.2231T>G (p.Phe744Cys)

Gene: IFIH1 (interferon induced with helicase C domain 1; minus strand). Cytogenetic location: 2q24.2.
Variant type: single nucleotide variant.
Coding change: c.2231T>G on transcript NM_022168.4 (MANE Select); coding-DNA position 2231, T replaced by G.
Protein change: p.Phe744Cys; replaces phenylalanine 744 with cysteine.
Molecular consequence: missense variant.
Genome position (GRCh38, 1-based): chr2:162,276,760, A>C on the plus strand (T>G on the coding strand, the complement: IFIH1 is on the minus strand). VCF-style: chr2-162276760-A-C. GRCh37 (hg19) VCF-style: chr2-163133270-A-C.
Other names: short protein forms F744C.
Identifiers: ClinVar variation 2013197 (VCV002013197.4), dbSNP rs1682675673, ClinGen allele CA348996661.